The following is an entry in ClinVar:

NM_001365276.2(TNXB):c.4994C>G (p.Ala1665Gly)

Gene: TNXB (tenascin XB; minus strand). Cytogenetic location: 6p21.33.
Variant type: single nucleotide variant.
Coding change: c.4994C>G on transcript NM_001365276.2 (MANE Select); coding-DNA position 4994, C replaced by G.
Protein change: p.Ala1665Gly; replaces alanine 1665 with glycine.
Molecular consequence: missense variant.
Genome position (GRCh38, 1-based): chr6:32,070,411, G>C on the plus strand (C>G on the coding strand, the complement: TNXB is on the minus strand). VCF-style: chr6-32070411-G-C. GRCh37 (hg19) VCF-style: chr6-32038188-G-C.
Other names: c.5735C>G, p.Ala1912Gly (NM_001428335.1); c.4994C>G, p.Ala1665Gly (NM_019105.8); short protein forms A1912G, A1665G.
Identifiers: ClinVar variation 3459882 (VCV003459882.1).

ClinVar aggregate classification (germline): Uncertain significance (1 of 4 stars; one submission).

Conditions:
Cardiovascular phenotype. Identifiers: MedGen CN230736.

Submission:

Ambry Genetics
Classification: Uncertain significance for Cardiovascular phenotype. Last evaluated: 2024-10-28. Review status: criteria provided, single submitter. Criteria: Ambry Variant Classification Scheme 2023. Collection method: clinical testing. Allele origin: germline.
Comment: The p.A1665G variant (also known as c.4994C>G), located in coding exon 13 of the TNXB gene, results from a C to G substitution at nucleotide position 4994. The alanine at codon 1665 is replaced by glycine, an amino acid with similar properties. This amino acid position is conserved. In addition, this alteration is predicted to be tolerated by in silico analysis. Based on the available evidence, the clinical significance of this variant remains unclear.